The following is an entry in ClinVar:

NM_020433.5(JPH2):c.1111G>A (p.Glu371Lys)

Gene: JPH2 (junctophilin 2; minus strand). Cytogenetic location: 20q13.12.
Variant type: single nucleotide variant.
Coding change: c.1111G>A on transcript NM_020433.5 (MANE Select); coding-DNA position 1111, G replaced by A.
Protein change: p.Glu371Lys; replaces glutamic acid 371 with lysine.
Molecular consequence: missense variant.
Genome position (GRCh38, 1-based): chr20:44,159,676, C>T on the plus strand (G>A on the coding strand, the complement: JPH2 is on the minus strand). VCF-style: chr20-44159676-C-T. GRCh37 (hg19) VCF-style: chr20-42788316-C-T.
Other names: short protein forms E371K.
Identifiers: ClinVar variation 3287237 (VCV003287237.2).

ClinVar aggregate classification (germline): Uncertain significance. Review status: criteria provided, multiple submitters, no conflicts (2 of 4 stars). 2 submissions from 2 submitters: Uncertain significance (2). Last evaluated 2025-09-01.

Conditions:
Hypertrophic cardiomyopathy. Also called: HYPERTROPHIC MYOCARDIOPATHY. Identifiers: Orphanet 217569, MedGen C0007194, MeSH D002312, MONDO:0005045, HP:0001639.
Cardiovascular phenotype. Identifiers: MedGen CN230736.

gnomAD v4.1: 1 of 1,612,166 alleles (0.000062%); highest among the groups gnomAD compares: Admixed American, 0.0017%; no homozygotes.

Submissions (2):

Labcorp Genetics (formerly Invitae), Labcorp
Classification: Uncertain significance for Hypertrophic cardiomyopathy. Last evaluated: 2025-09-01. Review status: criteria provided, single submitter. Criteria: Invitae Variant Classification Sherloc (09022015). Collection method: clinical testing. Allele origin: germline.
Comment: This sequence change replaces glutamic acid, which is acidic and polar, with lysine, which is basic and polar, at codon 371 of the JPH2 protein (p.Glu371Lys). This variant is present in population databases (no rsID available, gnomAD 0.003%). This variant has not been reported in the literature in individuals affected with JPH2-related conditions. ClinVar contains an entry for this variant (Variation ID: 3287237). An algorithm developed to predict the effect of missense changes on protein structure and function (PolyPhen-2) suggests that this variant is likely to be disruptive. In summary, the available evidence is currently insufficient to determine the role of this variant in disease. Therefore, it has been classified as a Variant of Uncertain Significance.

Ambry Genetics
Classification: Uncertain significance for Cardiovascular phenotype. Last evaluated: 2024-06-06. Review status: criteria provided, single submitter. Criteria: Ambry Variant Classification Scheme 2023. Collection method: clinical testing. Allele origin: germline.
Comment: The p.E371K variant (also known as c.1111G>A), located in coding exon 2 of the JPH2 gene, results from a G to A substitution at nucleotide position 1111. The glutamic acid at codon 371 is replaced by lysine, an amino acid with similar properties. This amino acid position is conserved. In addition, this alteration is predicted to be tolerated by in silico analysis. Based on the available evidence, the clinical significance of this variant remains unclear.